The following is an entry in ClinVar:

ClinVar aggregate classification (germline): Conflicting classifications of pathogenicity. Review status: criteria provided, conflicting classifications (1 of 4 stars). 3 submissions from 3 submitters: Uncertain significance (2); Likely benign (1). Last evaluated 2026-02-02.

Conditions:
Inborn genetic diseases. Identifiers: MedGen C0950123, MeSH D030342.
Pontocerebellar hypoplasia type 3 (PCH3). Also called: CEREBELLAR ATROPHY WITH PROGRESSIVE MICROCEPHALY; PCH WITH OPTIC ATROPHY. Identifiers: Orphanet 97249, MedGen C1842687, MONDO:0011948, OMIM 608027.

Allele frequency attached by ClinVar (database versions not stated): ESP Exome Variant Server 0.00008; gnomAD exomes 0.00021; ExAC 0.00024; gnomAD 0.00029; TOPMed 0.00041; 1000 Genomes Project 30x 0.00094; 1000 Genomes Project 0.00100.
gnomAD v4.1: 129 of 1,613,706 alleles (0.008%); highest among the groups gnomAD compares: Admixed American, 0.15%; no homozygotes.

Submissions (3):

Labcorp Genetics (formerly Invitae), Labcorp
Classification: Uncertain significance. Last evaluated: 2026-02-02. Review status: criteria provided, single submitter. Criteria: Invitae Variant Classification Sherloc (09022015). Collection method: clinical testing. Allele origin: germline.
Comment: This sequence change replaces arginine, which is basic and polar, with lysine, which is basic and polar, at codon 2056 of the PCLO protein (p.Arg2056Lys). This variant is present in population databases (rs189561105, gnomAD 0.1%). This variant has not been reported in the literature in individuals affected with PCLO-related conditions. ClinVar contains an entry for this variant (Variation ID: 1392116). An algorithm developed to predict the effect of missense changes on protein structure and function outputs the following: PolyPhen-2: "Not Available". The lysine amino acid residue is found in multiple mammalian species, which suggests that this missense change does not adversely affect protein function. In summary, the available evidence is currently insufficient to determine the role of this variant in disease. Therefore, it has been classified as a Variant of Uncertain Significance.

Ambry Genetics
Classification: Likely benign for Inborn genetic diseases. Last evaluated: 2023-10-30. Review status: criteria provided, single submitter. Criteria: Ambry Variant Classification Scheme 2023. Collection method: clinical testing. Allele origin: germline.

Revvity Omics, Revvity
Classification: Uncertain significance for Pontocerebellar hypoplasia type 3. Last evaluated: 2019-06-13. Review status: criteria provided, single submitter. Criteria: ACMG Guidelines, 2015. Collection method: clinical testing. Allele origin: germline.

NM_033026.6(PCLO):c.6167G>A (p.Arg2056Lys)

Gene: PCLO (piccolo presynaptic cytomatrix protein; minus strand). Cytogenetic location: 7q21.11.
Variant type: single nucleotide variant.
Coding change: c.6167G>A on transcript NM_033026.6 (MANE Select); coding-DNA position 6167, G replaced by A.
Protein change: p.Arg2056Lys; replaces arginine 2056 with lysine.
Molecular consequence: missense variant.
Genome position (GRCh38, 1-based): chr7:82,954,786, C>T on the plus strand (G>A on the coding strand, the complement: PCLO is on the minus strand). VCF-style: chr7-82954786-C-T. GRCh37 (hg19) VCF-style: chr7-82584102-C-T.
Other names: c.6167G>A, p.Arg2056Lys (NM_014510.3); c.6167G>A (NM_033026.5); short protein forms R2056K.
Identifiers: ClinVar variation 1392116 (VCV001392116.8), dbSNP rs189561105, ClinGen allele CA4320525.